The following is an entry in ClinVar:

ClinVar aggregate classification (germline): Benign/Likely benign. Review status: criteria provided, multiple submitters, no conflicts (2 of 4 stars). 11 submissions from 11 submitters: Benign (8); Likely benign (1). 2 of the submissions do not count toward it. Last evaluated 2026-02-04.

Conditions:
Iron-refractory iron deficiency anemia (IRIDA). Also called: ANEMIA, HYPOCHROMIC MICROCYTIC, WITH DEFECT IN IRON METABOLISM; IRON-HANDLING DISORDER, HEREDITARY; PSEUDO-IRON-DEFICIENCY ANEMIA; IRIDA syndrome. Identifiers: Orphanet 209981, MedGen C0085576, MONDO:0008788, OMIM 206200. Disease mechanism: loss of function.
Microcytic anemia. Identifiers: MedGen C5194182, MONDO:0001245, HP:0001935. Disease mechanism: loss of function.

Allele frequency attached by ClinVar (database versions not stated): ExAC 0.53902; 1000 Genomes Project 0.54353; 1000 Genomes Project 30x 0.55137; gnomAD 0.58279 and 0.59140; TOPMed 0.58801; ESP Exome Variant Server 0.60487.
gnomAD v4.1: 869,164 of 1,611,200 alleles (54%); highest among the groups gnomAD compares: African/African-American, 73%; 237,459 homozygotes.

Submissions (11):

Labcorp Genetics (formerly Invitae), Labcorp
Classification: Benign. Last evaluated: 2026-02-04. Review status: criteria provided, single submitter. Criteria: Invitae Variant Classification Sherloc (09022015). Collection method: clinical testing. Allele origin: germline.

Blueprint Genetics
Classification: Likely benign. Last evaluated: 2024-11-28. Review status: criteria provided, single submitter. Criteria: ACMG Guidelines, 2015. Collection method: clinical testing. Allele origin: germline.

Mayo Clinic Laboratories, Mayo Clinic
Classification: Benign. Last evaluated: 2024-09-17. Review status: criteria provided, single submitter. Criteria: ACMG Guidelines, 2015. Collection method: clinical testing. Allele origin: germline. Observed: 652 variant alleles.

Fulgent Genetics
Classification: Benign for Iron-refractory iron deficiency anemia. Last evaluated: 2021-10-20. Review status: criteria provided, single submitter. Criteria: ACMG Guidelines, 2015. Collection method: clinical testing. Allele origin: unknown.

Genome-Nilou Lab
Classification: Benign for Iron-refractory iron deficiency anemia. Last evaluated: 2021-09-10. Review status: criteria provided, single submitter. Criteria: ACMG Guidelines, 2015. Collection method: clinical testing. Allele origin: germline. Affected: no.

GeneDx
Classification: Benign. Last evaluated: 2021-06-09. Review status: criteria provided, single submitter. Criteria: GeneDx Variant Classification Process June 2021. Collection method: clinical testing. Allele origin: germline. Affected: yes.

Illumina Laboratory Services, Illumina
Classification: Benign for Iron-refractory iron deficiency anemia. Last evaluated: 2018-01-13. Review status: criteria provided, single submitter. Criteria: ICSL Variant Classification Criteria 13 December 2019. Collection method: clinical testing. Allele origin: germline.
Comment: This variant was observed in the ICSL laboratory as part of a predisposition screen in an ostensibly healthy population. It had not been previously curated by ICSL or reported in the Human Gene Mutation Database (HGMD: prior to June 1st, 2018), and was therefore a candidate for classification through an automated scoring system. Utilizing variant allele frequency, disease prevalence and penetrance estimates, and inheritance mode, an automated score was calculated to assess if this variant is too frequent to cause the disease. Based on the score and internal cut-off values, a variant classified as benign is not then subjected to further curation. The score for this variant resulted in a classification of benign for this disease.

Breakthrough Genomics
Classification: Benign. Review status: criteria provided, single submitter. Criteria: ACMG Guidelines, 2015. Collection method: not provided. Allele origin: germline. Inheritance: Autosomal recessive inheritance. Affected: yes.

PreventionGenetics, part of Exact Sciences
Classification: Benign. Review status: criteria provided, single submitter. Criteria: ACMG Guidelines, 2015. Collection method: clinical testing. Allele origin: germline.

Diagnostic Laboratory, Department of Genetics, University Medical Center Groningen
Classification: Benign. Review status: no assertion criteria provided. Collection method: clinical testing. Allele origin: germline. Affected: yes. Study: VKGL Data-share Consensus. Not counted in ClinVar's aggregate classification.

Joint Genome Diagnostic Labs from Nijmegen and Maastricht, Radboudumc and MUMC+
Classification: Benign. Review status: no assertion criteria provided. Collection method: clinical testing. Allele origin: germline. Affected: yes. Study: VKGL Data-share Consensus. Not counted in ClinVar's aggregate classification.

NM_001374504.1(TMPRSS6):c.1536C>T (p.Asp512=)

Gene: TMPRSS6 (transmembrane serine protease 6; minus strand). Cytogenetic location: 22q12.3.
Variant type: single nucleotide variant.
Coding change: c.1536C>T on transcript NM_001374504.1 (MANE Select); coding-DNA position 1536, C replaced by T.
Protein change: p.Asp512=; no amino-acid change (aspartic acid 512 retained).
Molecular consequence: synonymous variant.
Genome position (GRCh38, 1-based): chr22:37,073,551, G>A on the plus strand (C>T on the coding strand, the complement: TMPRSS6 is on the minus strand). VCF-style: chr22-37073551-G-A. GRCh37 (hg19) VCF-style: chr22-37469591-G-A.
Other names: p.Asp521=; c.1536C>T, p.Asp512= (NM_001289000.2, NM_001289001.2, NM_153609.4).
Identifiers: ClinVar variation 262722 (VCV000262722.26), dbSNP rs4820268, ClinGen allele CA10215572.